The following is an entry in ClinVar:

NM_145207.3(AFG2A):c.853G>T (p.Glu285Ter)

Gene: AFG2A (AAA ATPase AFG2A; plus strand). Cytogenetic location: 4q28.1.
Variant type: single nucleotide variant.
Coding change: c.853G>T on transcript NM_145207.3 (MANE Select); coding-DNA position 853, G replaced by T.
Protein change: p.Glu285Ter; replaces glutamic acid 285 with a stop codon.
Molecular consequence: nonsense.
Genome position (GRCh38, 1-based): chr4:122,934,444, G>T. VCF-style: chr4-122934444-G-T. GRCh37 (hg19) VCF-style: chr4-123855599-G-T.
Other names: c.850G>T, p.Glu284Ter (NM_001317799.2, NM_001345856.2); short protein forms E284*, E285*.
Identifiers: ClinVar variation 1964318 (VCV001964318.4), dbSNP rs1255748366, ClinGen allele CA358102220.

ClinVar aggregate classification (germline): Pathogenic (1 of 4 stars; one submission).

Conditions:
Microcephaly-intellectual disability-sensorineural hearing loss-epilepsy-abnormal muscle tone syndrome (NEDHSB). Also called: NEURODEVELOPMENTAL DISORDER WITH HEARING LOSS, SEIZURES, AND BRAIN ABNORMALITIES. Identifiers: Orphanet 457351, MedGen C4225276, MONDO:0014698, OMIM 616577.

Submission:

Labcorp Genetics (formerly Invitae), Labcorp
Classification: Pathogenic for Microcephaly-intellectual disability-sensorineural hearing loss-epilepsy-abnormal muscle tone syndrome. Last evaluated: 2022-05-25. Review status: criteria provided, single submitter. Criteria: Invitae Variant Classification Sherloc (09022015). Collection method: clinical testing. Allele origin: germline.
Comment: For these reasons, this variant has been classified as Pathogenic. Algorithms developed to predict the effect of sequence changes on RNA splicing suggest that this variant may create or strengthen a splice site. This variant has not been reported in the literature in individuals affected with SPATA5-related conditions. This variant is not present in population databases (gnomAD no frequency). This sequence change creates a premature translational stop signal (p.Glu285*) in the SPATA5 gene. It is expected to result in an absent or disrupted protein product. Loss-of-function variants in SPATA5 are known to be pathogenic (PMID: 26299366).

Literature cited by the submitters: PubMed 26299366.